The following is an entry in ClinVar:

ClinVar aggregate classification (germline): Uncertain significance (1 of 4 stars; one submission).

Conditions:
Bethlem myopathy 1A. Also called: Bethlem myopathy 1; MYOPATHY, BENIGN CONGENITAL, WITH CONTRACTURES; Bethlem Muscular Dystrophy. Identifiers: Orphanet 610, MedGen CN029274, MONDO:0024530, OMIM 158810.

Submission:

Labcorp Genetics (formerly Invitae), Labcorp
Classification: Uncertain significance for Bethlem myopathy 1A. Last evaluated: 2022-11-19. Review status: criteria provided, single submitter. Criteria: Invitae Variant Classification Sherloc (09022015). Collection method: clinical testing. Allele origin: germline.
Comment: Advanced modeling of protein sequence and biophysical properties (such as structural, functional, and spatial information, amino acid conservation, physicochemical variation, residue mobility, and thermodynamic stability) performed at Invitae indicates that this missense variant is expected to disrupt COL6A2 protein function. This variant has not been reported in the literature in individuals affected with COL6A2-related conditions. This variant is not present in population databases (gnomAD no frequency). This sequence change replaces aspartic acid, which is acidic and polar, with glycine, which is neutral and non-polar, at codon 52 of the COL6A2 protein (p.Asp52Gly). In summary, the available evidence is currently insufficient to determine the role of this variant in disease. Therefore, it has been classified as a Variant of Uncertain Significance.

NM_001849.4(COL6A2):c.155A>G (p.Asp52Gly)

Gene: COL6A2 (collagen type VI alpha 2 chain; plus strand). Cytogenetic location: 21q22.3.
Variant type: single nucleotide variant.
Coding change: c.155A>G on transcript NM_001849.4 (MANE Select); coding-DNA position 155, A replaced by G.
Protein change: p.Asp52Gly; replaces aspartic acid 52 with glycine.
Molecular consequence: missense variant.
Genome position (GRCh38, 1-based): chr21:46,112,018, A>G. VCF-style: chr21-46112018-A-G. GRCh37 (hg19) VCF-style: chr21-47531932-A-G.
Other names: c.155A>G, p.Asp52Gly (NM_058174.3, NM_058175.3); short protein forms D52G.
Identifiers: ClinVar variation 2779114 (VCV002779114.3), dbSNP rs2516989146, ClinGen allele CA410520048.